The following is an entry in ClinVar:

ClinVar aggregate classification (germline): Likely benign. Review status: criteria provided, multiple submitters, no conflicts (2 of 4 stars). 4 submissions from 4 submitters: Likely benign (3). 1 of the submissions does not count toward it. Last evaluated 2026-06-12.

Conditions:
MARS1-related disorder. Also called: MARS1-related condition.
Severe early-onset pulmonary alveolar proteinosis due to MARS deficiency. Also called: PULMONARY ALVEOLAR PROTEINOSIS, REUNION ISLAND; Interstitial lung and liver disease. Identifiers: Orphanet 440427, MedGen C4225400, MONDO:0014206, OMIM 615486.
Charcot-Marie-Tooth disease axonal type 2U. Also called: CHARCOT-MARIE-TOOTH NEUROPATHY, TYPE 2U; CHARCOT-MARIE-TOOTH DISEASE, AXONAL, AUTOSOMAL DOMINANT, TYPE 2U. Identifiers: Orphanet 397735, MedGen C4084821, MONDO:0014566, OMIM 616280.

Allele frequency attached by ClinVar (database versions not stated): gnomAD 0.00004; TOPMed 0.00004; ExAC 0.00006; gnomAD exomes 0.00007 and 0.00009; ESP Exome Variant Server 0.00015.
gnomAD v4.1: 110 of 1,612,552 alleles (0.0068%); highest among the groups gnomAD compares: Non-Finnish European, 0.0059%; no homozygotes.

Submissions (4):

Women's Health and Genetics/Laboratory Corporation of America, LabCorp
Classification: Likely benign. Last evaluated: 2026-06-12. Review status: criteria provided, single submitter. Criteria: LabCorp Variant Classification Summary - May 2015. Collection method: clinical testing. Allele origin: germline.
Comment: Variant summary: MARS1 c.630C>T results in a synonymous change. Consensus agreement among computation tools predict no significant impact on normal splicing. However, these predictions have yet to be confirmed by functional studies. The variant allele was found at a frequency of 8.5e-05 in 282318 control chromosomes. This frequency is not significantly higher than estimated for disease-causing variants in MARS1, allowing no conclusion about variant significance. To our knowledge, no occurrence of c.630C>T in individuals affected with MARS1-related conditions and no experimental evidence demonstrating its impact on protein function have been reported. ClinVar contains an entry for this variant (Variation ID: 706974). Based on the evidence outlined above, the variant was classified as likely benign.

Labcorp Genetics (formerly Invitae), Labcorp
Classification: Likely benign for Charcot-Marie-Tooth disease axonal type 2U; Severe early-onset pulmonary alveolar proteinosis due to MARS deficiency. Last evaluated: 2025-06-17. Review status: criteria provided, single submitter. Criteria: Invitae Variant Classification Sherloc (09022015). Collection method: clinical testing. Allele origin: germline.

CeGaT Center for Human Genetics Tuebingen
Classification: Likely benign. Last evaluated: 2024-08-01. Review status: criteria provided, single submitter. Criteria: CeGaT Center For Human Genetics Tuebingen Variant Classification Criteria Version 2. Collection method: clinical testing. Allele origin: germline. Affected: yes. Observed: 1 variant allele.
Comment: MARS1: BP4, BP7

PreventionGenetics, part of Exact Sciences
Classification: Likely benign for MARS1-related condition. Last evaluated: 2023-09-05. Review status: no assertion criteria provided. Collection method: clinical testing. Allele origin: germline. Not counted in ClinVar's aggregate classification.
Comment: This variant is classified as likely benign based on ACMG/AMP sequence variant interpretation guidelines (Richards et al. 2015 PMID: 25741868, with internal and published modifications).

NM_004990.4(MARS1):c.630C>T (p.Pro210=)

Gene: MARS1 (methionyl-tRNA synthetase 1; plus strand). Cytogenetic location: 12q13.3.
Variant type: single nucleotide variant.
Coding change: c.630C>T on transcript NM_004990.4 (MANE Select); coding-DNA position 630, C replaced by T.
Protein change: p.Pro210=; no amino-acid change (proline 210 retained).
Molecular consequence: synonymous variant.
Genome position (GRCh38, 1-based): chr12:57,490,346, C>T. VCF-style: chr12-57490346-C-T. GRCh37 (hg19) VCF-style: chr12-57884129-C-T.
Identifiers: ClinVar variation 706974 (VCV000706974.28), dbSNP rs143741525, ClinGen allele CA6650226.